The following is an entry in ClinVar:

ClinVar aggregate classification (germline): Uncertain significance. Review status: criteria provided, multiple submitters, no conflicts (2 of 4 stars). 2 submissions from 2 submitters: Uncertain significance (2). Last evaluated 2021-08-30.

Conditions:
Hypogonadotropic hypogonadism. Also called: Hypogonadotrophic hypogonadism; Isolated hypogonadotropic hypogonadism; Hypogonadotropic hypogonadism with or without anosmia; Low gonadotropins (secondary hypogonadism). Identifiers: Orphanet 432, MedGen C0271623, MONDO:0018555, HP:0000044.
Hypogonadotropic hypogonadism 7 with or without anosmia (HH7). Also called: GNRHR-Related GnRH Deficiency; HYPOGONADOTROPIC HYPOGONADISM 7 WITHOUT ANOSMIA. Identifiers: Orphanet 432, MedGen C0342384, MONDO:0007794, OMIM 146110.

Allele frequency attached by ClinVar (database versions not stated): gnomAD exomes 0.00005 and 0.00023; TOPMed 0.00010; gnomAD 0.00012.
gnomAD v4.1: 340 of 1,546,106 alleles (0.022%); highest among the groups gnomAD compares: Non-Finnish European, 0.028%; no homozygotes.

Submissions (2):

Ambry Genetics
Classification: Uncertain significance. Last evaluated: 2021-08-30. Review status: criteria provided, single submitter. Criteria: Ambry Variant Classification Scheme 2023. Collection method: clinical testing. Allele origin: germline.

New York Genome Center
Classification: Uncertain significance for Hypogonadotropic Hypogonadism. Last evaluated: 2020-05-29. Review status: criteria provided, single submitter. Criteria: NYGC Assertion Criteria 2020. Collection method: clinical testing. Allele origin: germline. Observed: 1 heterozygote. Study: CSER-NYCKidSeq.

NM_173648.4(CCDC141):c.538C>T (p.Arg180Trp)

Gene: CCDC141 (coiled-coil domain containing 141; minus strand). Cytogenetic location: 2q31.2.
Variant type: single nucleotide variant.
Coding change: c.538C>T on transcript NM_173648.4 (MANE Select); coding-DNA position 538, C replaced by T.
Protein change: p.Arg180Trp; replaces arginine 180 with tryptophan.
Molecular consequence: missense variant.
Genome position (GRCh38, 1-based): chr2:178,961,472, G>A on the plus strand (C>T on the coding strand, the complement: CCDC141 is on the minus strand). VCF-style: chr2-178961472-G-A. GRCh37 (hg19) VCF-style: chr2-179826199-G-A.
Other names: c.538C>T, p.Arg180Trp (NM_001316745.2); short protein forms R180W.
Identifiers: ClinVar variation 1341699 (VCV001341699.5), dbSNP rs768401425, ClinGen allele CA61481462.
Genomic context (GRCh38, chr2:178,961,472, plus strand): 5'-ACTTGAATTTTTCTATGAAGTCAGTGAGTTGTTGACTTTTGTTTAAAAGGGCTAAAGACC[G>A]TTCCAAGAGTTCTAGAAGAAAATTAGAAAGAAAAAAGAATAATGATATTAGCAAGCTTTT-3'
Protein context (NP_775919.3, residues 170-190): HEHHTKELLE[Arg180Trp]SLALLNKSQQ